The following is an entry in ClinVar:

ClinVar aggregate classification (germline): Uncertain significance. Review status: criteria provided, multiple submitters, no conflicts (2 of 4 stars). 2 submissions from 2 submitters: Uncertain significance (2). Last evaluated 2026-03-14.

Conditions:
Inborn genetic diseases. Identifiers: MedGen C0950123, MeSH D030342.
Fanconi anemia (FA). Also called: Fanconi's anemia. Identifiers: Orphanet 84, MedGen C0015625, MeSH D005199, MONDO:0019391.

Allele frequency attached by ClinVar (database versions not stated): gnomAD exomes below 0.00001.

Submissions (2):

Ambry Genetics
Classification: Uncertain significance for Inborn genetic diseases. Last evaluated: 2026-03-14. Review status: criteria provided, single submitter. Criteria: Ambry Variant Classification Scheme 2023. Collection method: clinical testing. Allele origin: germline.
Comment: The p.M1890T variant (also known as c.5669T>C), located in coding exon 21 of the FANCM gene, results from a T to C substitution at nucleotide position 5669. The methionine at codon 1890 is replaced by threonine, an amino acid with similar properties. This amino acid position is conserved. In addition, this alteration is predicted to be tolerated by in silico analysis. Based on the available evidence, the clinical significance of this variant remains unclear.

Labcorp Genetics (formerly Invitae), Labcorp
Classification: Uncertain significance for Fanconi anemia. Last evaluated: 2022-01-28. Review status: criteria provided, single submitter. Criteria: Invitae Variant Classification Sherloc (09022015). Collection method: clinical testing. Allele origin: germline.
Comment: This sequence change replaces methionine, which is neutral and non-polar, with threonine, which is neutral and polar, at codon 1890 of the FANCM protein (p.Met1890Thr). This variant is not present in population databases (gnomAD no frequency). This variant has not been reported in the literature in individuals affected with FANCM-related conditions. Algorithms developed to predict the effect of missense changes on protein structure and function are either unavailable or do not agree on the potential impact of this missense change (SIFT: "Tolerated"; PolyPhen-2: "Possibly Damaging"; Align-GVGD: "Class C0"). In summary, the available evidence is currently insufficient to determine the role of this variant in disease. Therefore, it has been classified as a Variant of Uncertain Significance.

NM_020937.4(FANCM):c.5669T>C (p.Met1890Thr)

Gene: FANCM (FA complementation group M; plus strand). Cytogenetic location: 14q21.2.
Variant type: single nucleotide variant.
Coding change: c.5669T>C on transcript NM_020937.4 (MANE Select); coding-DNA position 5669, T replaced by C.
Protein change: p.Met1890Thr; replaces methionine 1890 with threonine.
Molecular consequence: missense variant.
Genome position (GRCh38, 1-based): chr14:45,196,500, T>C. VCF-style: chr14-45196500-T-C. GRCh37 (hg19) VCF-style: chr14-45665703-T-C.
Other names: c.5591T>C, p.Met1864Thr (NM_001308133.2); c.5669T>C (NM_020937.2); short protein forms M1890T, M1864T.
Identifiers: ClinVar variation 1480684 (VCV001480684.9), dbSNP rs1392653043, ClinGen allele CA389586381.